The following is an entry in ClinVar:

ClinVar aggregate classification (germline): Pathogenic (1 of 4 stars; one submission).

Conditions:
Neurofibromatosis, type 1 (NF1). Also called: VON RECKLINGHAUSEN DISEASE; Peripheral type neurofibromatosis; NEUROFIBROMATOSIS, TYPE I, SOMATIC; Neurofibromatosis, type I. Identifiers: Orphanet 636, MedGen C0027831, MONDO:0018975, OMIM 162200. Disease mechanism: loss of function.

Submission:

Labcorp Genetics (formerly Invitae), Labcorp
Classification: Pathogenic for Neurofibromatosis, type 1. Last evaluated: 2017-12-31. Review status: criteria provided, single submitter. Criteria: Invitae Variant Classification Sherloc (09022015). Collection method: clinical testing. Allele origin: germline.
Comment: A gross deletion of the genomic region encompassing the full coding sequence of the NF1 gene has been identified. The boundaries of this event are unknown as the deletion extends beyond the assayed region for this gene and therefore may encompass additional genes. Gross deletions of the NF1 gene have been observed in many individuals with neurofibromatosis type 1 (PMID: 8116612, 8931693, 9643287). Loss-of-function variants in NF1 are known to be pathogenic (PMID: 10712197, 23913538). For these reasons, this variant has been classified as Pathogenic.

Literature cited by the submitters: PubMed 8116612; PubMed 8931693; PubMed 9643287; PubMed 10712197; PubMed 23913538.

NC_000017.10:g.(?_29422322)_(29665163_?)del

Genes: EVI2A (ecotropic viral integration site 2A; minus strand), EVI2B (ecotropic viral integration site 2B; minus strand), NF1 (neurofibromin 1; plus strand), OMG (oligodendrocyte myelin glycoprotein; minus strand). Cytogenetic location: 17q11.2.
Variant type: Deletion.
Identifiers: ClinVar variation 1072079 (VCV001072079.1).